The following is an entry in ClinVar:

ClinVar aggregate classification (germline): Uncertain significance (1 of 4 stars; one submission).

Conditions:
Woodhouse-Sakati syndrome. Also called: Hypogonadism, Alopecia, Diabetes Mellitus, Mental Retardation, and Extrapyramidal Syndrome; Hypogonadism, diabetes mellitus, alopecia, mental retardation and electrocardiographic abnormalities; EXTRAPYRAMIDAL DISORDER, PROGRESSIVE, WITH PRIMARY HYPOGONADISM, MENTAL RETARDATION, AND ALOPECIA. Identifiers: Orphanet 3464, MedGen C0342286, MONDO:0009419, OMIM 241080.

Submission:

Labcorp Genetics (formerly Invitae), Labcorp
Classification: Uncertain significance for Woodhouse-Sakati syndrome. Last evaluated: 2022-07-14. Review status: criteria provided, single submitter. Criteria: Invitae Variant Classification Sherloc (09022015). Collection method: clinical testing. Allele origin: germline.
Comment: In summary, the available evidence is currently insufficient to determine the role of this variant in disease. Therefore, it has been classified as a Variant of Uncertain Significance. This sequence change replaces valine, which is neutral and non-polar, with leucine, which is neutral and non-polar, at codon 487 of the DCAF17 protein (p.Val487Leu). This variant is not present in population databases (gnomAD no frequency). This variant has not been reported in the literature in individuals affected with DCAF17-related conditions. Algorithms developed to predict the effect of missense changes on protein structure and function are either unavailable or do not agree on the potential impact of this missense change (SIFT: "Deleterious"; PolyPhen-2: "Benign"; Align-GVGD: "Class C0").

NM_025000.4(DCAF17):c.1459G>C (p.Val487Leu)

Gene: DCAF17 (DDB1 and CUL4 associated factor 17; plus strand). Cytogenetic location: 2q31.1.
Variant type: single nucleotide variant.
Coding change: c.1459G>C on transcript NM_025000.4 (MANE Select); coding-DNA position 1459, G replaced by C.
Protein change: p.Val487Leu; replaces valine 487 with leucine.
Molecular consequence: missense variant. On other transcripts: non-coding transcript variant (1).
Genome position (GRCh38, 1-based): chr2:171,481,010, G>C. VCF-style: chr2-171481010-G-C. GRCh37 (hg19) VCF-style: chr2-172337520-G-C.
Other names: c.1258G>C, p.Val420Leu (NM_001164821.2); short protein forms V420L, V487L.
Identifiers: ClinVar variation 2016982 (VCV002016982.4), dbSNP rs1428300106, ClinGen allele CA349279830.
Genomic context (GRCh38, chr2:171,481,010, plus strand): 5'-CCATATGATTGTGTTTTGTTACAGACATATAGCCATGAAGTCTACTTTGACAGAGACTTG[G>C]TGCTACACATAGAGCAGAAACCCAACAGAGTCTTCAGCTGCTATGTTTACCAGATGATAT-3'
Protein context (NP_079276.2, residues 477-497): SHEVYFDRDL[Val487Leu]LHIEQKPNRV